The following is an entry in ClinVar:

NM_004519.4(KCNQ3):c.413T>C (p.Ile138Thr)

Gene: KCNQ3 (potassium voltage-gated channel subfamily Q member 3; minus strand). Cytogenetic location: 8q24.22.
Variant type: single nucleotide variant.
Coding change: c.413T>C on transcript NM_004519.4 (MANE Select); coding-DNA position 413, T replaced by C.
Protein change: p.Ile138Thr; replaces isoleucine 138 with threonine.
Molecular consequence: missense variant.
Genome position (GRCh38, 1-based): chr8:132,186,155, A>G on the plus strand (T>C on the coding strand, the complement: KCNQ3 is on the minus strand). VCF-style: chr8-132186155-A-G. GRCh37 (hg19) VCF-style: chr8-133198402-A-G.
Other names: c.53T>C, p.Ile18Thr (NM_001204824.2); c.413T>C (NM_004519.3); short protein forms I138T, I18T.
Identifiers: ClinVar variation 1042285 (VCV001042285.9), dbSNP rs367706720, ClinGen allele CA4880927.

ClinVar aggregate classification (germline): Uncertain significance. Review status: criteria provided, multiple submitters, no conflicts (2 of 4 stars). 2 submissions from 2 submitters: Uncertain significance (2). Last evaluated 2026-03-09.

Conditions:
Benign neonatal seizures. Also called: Benign familial neonatal seizures; Benign neonatal familial convulsions; Convulsions benign familial neonatal dominant form; Autosomal dominant form of benign neonatal seizures; Benign familial neonatal epilepsy. Identifiers: Orphanet 1949, MedGen C0220669, MONDO:0016027.

Allele frequency attached by ClinVar (database versions not stated): ExAC 0.00002; gnomAD exomes below 0.00001 and 0.00001; gnomAD 0.00002; ESP Exome Variant Server 0.00008; TOPMed 0.00001.
gnomAD v4.1: 9 of 1,613,798 alleles (0.00056%); highest among the groups gnomAD compares: Non-Finnish European, 0.00076%; no homozygotes.

Submissions (2):

GeneDx
Classification: Uncertain significance. Last evaluated: 2026-03-09. Review status: criteria provided, single submitter. Criteria: GeneDx Variant Classification Process June 2021. Collection method: clinical testing. Allele origin: germline.
Comment: Not observed at significant frequency in large population cohorts (gnomAD); In silico analysis supports that this missense variant has a deleterious effect on protein structure/function; Has not been previously published as pathogenic or benign to our knowledge

Labcorp Genetics (formerly Invitae), Labcorp
Classification: Uncertain significance for Benign neonatal seizures. Last evaluated: 2023-04-25. Review status: criteria provided, single submitter. Criteria: Invitae Variant Classification Sherloc (09022015). Collection method: clinical testing. Allele origin: germline.
Comment: This variant is present in population databases (rs367706720, gnomAD 0.002%). In summary, the available evidence is currently insufficient to determine the role of this variant in disease. Therefore, it has been classified as a Variant of Uncertain Significance. Advanced modeling of protein sequence and biophysical properties (such as structural, functional, and spatial information, amino acid conservation, physicochemical variation, residue mobility, and thermodynamic stability) performed at Invitae indicates that this missense variant is not expected to disrupt KCNQ3 protein function. ClinVar contains an entry for this variant (Variation ID: 1042285). This variant has not been reported in the literature in individuals affected with KCNQ3-related conditions. This sequence change replaces isoleucine, which is neutral and non-polar, with threonine, which is neutral and polar, at codon 138 of the KCNQ3 protein (p.Ile138Thr).